The following is an entry in ClinVar:

ClinVar aggregate classification (germline): Pathogenic (1 of 4 stars; one submission).

Conditions:
Familial cancer of breast. Also called: Hereditary breast cancer; BREAST CANCER, FAMILIAL; hereditary breast carcinoma. Identifiers: Orphanet 227535, MedGen C0346153, MONDO:0016419, OMIM 114480. Disease mechanism: loss of function.

Submission:

Myriad Genetics, Inc.
Classification: Pathogenic for Familial cancer of breast. Last evaluated: 2023-05-23. Review status: criteria provided, single submitter. Criteria: Myriad Autosomal Dominant, Autosomal Recessive and X-Linked Classification Criteria (2023). Collection method: clinical testing. Allele origin: unknown.
Comment: This variant is considered pathogenic. This variant creates a frameshift predicted to result in premature protein truncation.

NM_000465.4(BARD1):c.1597del (p.Tyr533fs)

Gene: BARD1 (BRCA1 associated RING domain 1; minus strand). Cytogenetic location: 2q35.
Variant type: Deletion.
Coding change: c.1597del on transcript NM_000465.4 (MANE Select); coding-DNA position 1597, one base deleted (T; older notation c.1597delT).
Protein change: p.Tyr533fs; shifts the reading frame from tyrosine 533.
Molecular consequence: frameshift variant. On other transcripts: non-coding transcript variant (3), intron variant (1).
Genome position (GRCh38, 1-based): chr2:214,752,527, A deleted on the plus strand (T on the coding strand, the reverse complement: BARD1 is on the minus strand); the first of 2 consecutive A bases (chr2:214,752,527-214,752,528); deleting either gives the same sequence. VCF-style (leftmost placement, unchanged base first): chr2-214752526-TA-T. GRCh37 (hg19) VCF-style: chr2-215617250-TA-T.
Other names: c.1540del, p.Tyr514fs (NM_001282543.2); c.244del, p.Tyr82fs (NM_001282545.2); c.187del, p.Tyr63fs (NM_001282548.2); c.365-22019del (NM_001282549.2); short protein forms Y514fs, Y533fs, Y63fs, Y82fs.
Identifiers: ClinVar variation 2583270 (VCV002583270.2), dbSNP rs2469378890, ClinGen allele CA2582342073.
Genomic context (GRCh38, chr2:214,752,526, plus strand): 5'-GAGGATGATTCATTCTTCTCTGGTAGCAGCAATAGCGATTTCATACTTTCATCATCTGTA[TA>T]ATCGACAGGCCGCAGACCAAATATATTACTGGTAAAATAAGTGCAGATGTGTTTAAGTAA-3'